The following is an entry in ClinVar:

NM_001177316.2(SLC34A3):c.1110G>A (p.Leu370=)

Gene: SLC34A3 (solute carrier family 34 member 3; plus strand). Cytogenetic location: 9q34.3.
Variant type: single nucleotide variant.
Coding change: c.1110G>A on transcript NM_001177316.2 (MANE Select); coding-DNA position 1110, G replaced by A.
Protein change: p.Leu370=; no amino-acid change (leucine 370 retained).
Molecular consequence: synonymous variant.
Genome position (GRCh38, 1-based): chr9:137,234,432, G>A. VCF-style: chr9-137234432-G-A. GRCh37 (hg19) VCF-style: chr9-140128884-G-A.
Other names: c.1110G>A, p.Leu370= (NM_001177317.2, NM_080877.3).
Identifiers: ClinVar variation 4526812 (VCV004526812.1).

ClinVar aggregate classification (germline): Likely pathogenic (1 of 4 stars; one submission).

Conditions:
Autosomal recessive hypophosphatemic bone disease (HHRH). Also called: HYPERCALCIURIC RICKETS; Hypophosphatemic rickets with hypercalciuria. Identifiers: Orphanet 157215, MedGen C1853271, MONDO:0009431, OMIM 241530.

gnomAD v4.1: 4 of 1,598,644 alleles (0.00025%); highest among the groups gnomAD compares: Non-Finnish European, 0.00034%; no homozygotes.

Submission:

Rare Kidney Stone Consortium and the Mayo Clinic Hyperoxaluria Center, Mayo Clinic
Classification: Likely pathogenic for Autosomal recessive hypophosphatemic bone disease. Last evaluated: 2025-10-03. Review status: criteria provided, single submitter. Criteria: ACMG Guidelines, 2015. Collection method: research. Allele origin: germline. Affected: yes. Observed: 1 variant allele.
Comment: ACMG:PM2, PM3, PP3, PP4

Literature cited by the submitters: PubMed 40794449.